The following is an entry in ClinVar:

ClinVar aggregate classification (germline): Uncertain significance (1 of 4 stars; one submission).

Conditions:
Ullrich congenital muscular dystrophy 2 (UCMD2). Identifiers: Orphanet 75840, MedGen C4225314, MONDO:0014654, OMIM 616470.
Bethlem myopathy 2 (BTHLM2). Identifiers: Orphanet 536516, Orphanet 610, MedGen C4225313, MONDO:0034022, OMIM 616471.

Allele frequency attached by ClinVar (database versions not stated): gnomAD exomes below 0.00001; TOPMed below 0.00001.
gnomAD v4.1: 1 of 1,614,106 alleles (0.000062%); highest among the groups gnomAD compares: African/African-American, 0.0013%; no homozygotes.

Submission:

Labcorp Genetics (formerly Invitae), Labcorp
Classification: Uncertain significance for Bethlem myopathy 2; Ullrich congenital muscular dystrophy 2. Last evaluated: 2016-10-23. Review status: criteria provided, single submitter. Criteria: Invitae Variant Classification Sherloc (09022015). Collection method: clinical testing. Allele origin: germline.
Comment: In summary, this variant is a novel missense change with uncertain impact on protein function and splicing. It has been classified as a Variant of Uncertain Significance. Algorithms developed to predict the effect of sequence changes on RNA splicing suggest that this variant may alter RNA splicing, but this prediction has not been confirmed by published transcriptional studies. Algorithms developed to predict the effect of missense changes on protein structure and function output the following: (SIFT: "Deleterious"; PolyPhen-2: "Benign"; Align-GVGD: "Class C0"). The valine amino acid residue is found in multiple mammalian species, suggesting that this missense change does not adversely affect protein function. These predictions have not been confirmed by published functional studies. This variant is not present in population databases (ExAC no frequency) and has not been reported in the literature in individuals with a COL12A1-related disease. This sequence change replaces alanine with valine at codon 2953 of the COL12A1 protein (p.Ala2953Val). The alanine residue is highly conserved and there is a small physicochemical difference between alanine and valine.

NM_004370.6(COL12A1):c.8858C>T (p.Ala2953Val)

Gene: COL12A1 (collagen type XII alpha 1 chain; minus strand). Cytogenetic location: 6q13.
Variant type: single nucleotide variant.
Coding change: c.8858C>T on transcript NM_004370.6 (MANE Select); coding-DNA position 8858, C replaced by T.
Protein change: p.Ala2953Val; replaces alanine 2953 with valine.
Molecular consequence: missense variant.
Genome position (GRCh38, 1-based): chr6:75,090,193, G>A on the plus strand (C>T on the coding strand, the complement: COL12A1 is on the minus strand). VCF-style: chr6-75090193-G-A. GRCh37 (hg19) VCF-style: chr6-75799909-G-A.
Other names: c.5366C>T, p.Ala1789Val (NM_080645.3); short protein forms A2953V, A1789V.
Identifiers: ClinVar variation 475907 (VCV000475907.9), dbSNP rs1554166746, ClinGen allele CA364734844.
Genomic context (GRCh38, chr6:75,090,193, plus strand): 5'-ATCCCTGGTGTGCCCGGGAAGCCTGGCCGCCCCCCAGGCCCAGGTTCTCCTCTGGCTCCT[G>A]CGCTACCAGGAGGTCCCGGTGGACCCGGCGGGCCTGGCTGGTTGCGACTGGACTGGTAAT-3'
Protein context (NP_004361.3, residues 2943-2963): PPGPPGPPGS[Ala2953Val]GARGEPGPGG